The following is an entry in ClinVar:

ClinVar aggregate classification (germline): Uncertain significance (1 of 4 stars; one submission).

Allele frequency attached by ClinVar (database versions not stated): gnomAD exomes below 0.00001; TOPMed below 0.00001.
gnomAD v4.1: 2 of 1,613,742 alleles (0.00012%); highest among the groups gnomAD compares: Middle Eastern, 0.017%; no homozygotes.

Submission:

Labcorp Genetics (formerly Invitae), Labcorp
Classification: Uncertain significance. Last evaluated: 2022-11-01. Review status: criteria provided, single submitter. Criteria: Invitae Variant Classification Sherloc (09022015). Collection method: clinical testing. Allele origin: germline.
Comment: This variant is not present in population databases (gnomAD no frequency). In summary, the available evidence is currently insufficient to determine the role of this variant in disease. Therefore, it has been classified as a Variant of Uncertain Significance. Algorithms developed to predict the effect of missense changes on protein structure and function output the following: SIFT: "Tolerated"; PolyPhen-2: "Benign"; Align-GVGD: "Class C0". The serine amino acid residue is found in multiple mammalian species, which suggests that this missense change does not adversely affect protein function. This variant has not been reported in the literature in individuals affected with ATR-related conditions. This sequence change replaces proline, which is neutral and non-polar, with serine, which is neutral and polar, at codon 485 of the ATR protein (p.Pro485Ser).

NM_001184.4(ATR):c.1453C>T (p.Pro485Ser)

Gene: ATR (ATR checkpoint kinase; minus strand). Cytogenetic location: 3q23.
Variant type: single nucleotide variant.
Coding change: c.1453C>T on transcript NM_001184.4 (MANE Select); coding-DNA position 1453, C replaced by T.
Protein change: p.Pro485Ser; replaces proline 485 with serine.
Molecular consequence: missense variant. On other transcripts: intron variant (1).
Genome position (GRCh38, 1-based): chr3:142,560,351, G>A on the plus strand (C>T on the coding strand, the complement: ATR is on the minus strand). VCF-style: chr3-142560351-G-A. GRCh37 (hg19) VCF-style: chr3-142279193-G-A.
Other names: c.1349+892C>T (NM_001354579.2); short protein forms P485S.
Identifiers: ClinVar variation 2421995 (VCV002421995.6), dbSNP rs1351809006, ClinGen allele CA354822814.